The following is an entry in ClinVar:

NM_000051.4(ATM):c.6072G>A (p.Gly2024=)

Genes: ATM (ATM serine/threonine kinase; plus strand), C11orf65 (chromosome 11 open reading frame 65; minus strand). Cytogenetic location: 11q22.3.
Variant type: single nucleotide variant.
Coding change: c.6072G>A on transcript NM_000051.4 (MANE Select); coding-DNA position 6072, G replaced by A.
Protein change: p.Gly2024=; no amino-acid change (glycine 2024 retained).
Molecular consequence: synonymous variant. On other transcripts: intron variant (2).
Genome position (GRCh38, 1-based): chr11:108,315,888, G>A. VCF-style: chr11-108315888-G-A. GRCh37 (hg19) VCF-style: chr11-108186615-G-A.
Other names: c.6072G>A, p.Gly2024= (NM_001351834.2); c.641-6817C>T (NM_001330368.2); c.*39-6817C>T (NM_001351110.2).
Identifiers: ClinVar variation 800123 (VCV000800123.16), dbSNP rs1591777129, ClinGen allele CA476675612.
Genomic context (GRCh38, chr11:108,315,888, plus strand): 5'-TCTCTTAGAAATCTACAGAAGTATAGGGGAGCCAGATAGTTTGTATGGCTGTGGTGGAGG[G>A]AAGATGTTACAACCCATTACTAGGTAAATTGCATTTTTCTAAACAACGGTATAGTAATTC-3'
Protein context (NP_000042.3, residues 2014-2034): EPDSLYGCGG[Gly2024=]KMLQPITRLR

ClinVar aggregate classification (germline): Benign/Likely benign. Review status: criteria provided, multiple submitters, no conflicts (2 of 4 stars). 3 submissions from 3 submitters: Benign (1); Likely benign (2). Last evaluated 2025-04-17.

Conditions:
Hereditary cancer-predisposing syndrome. Also called: Tumor predisposition; Neoplastic Syndromes, Hereditary; Hereditary Cancer Syndrome; Hereditary neoplastic syndrome. Identifiers: Orphanet 140162, MedGen C0027672, MeSH D009386, MONDO:0015356.
Familial cancer of breast. Also called: Hereditary breast cancer; BREAST CANCER, FAMILIAL; hereditary breast carcinoma. Identifiers: Orphanet 227535, MedGen C0346153, MONDO:0016419, OMIM 114480. Disease mechanism: loss of function.
Ataxia-telangiectasia syndrome (AT). Also called: ATAXIA-TELANGIECTASIA, COMPLEMENTATION GROUP A; ATAXIA-TELANGIECTASIA, FRESNO VARIANT; Ataxia-telangiectasia; Ataxia-telangiectasia, complementation group D; AT, COMPLEMENTATION GROUP C; Ataxia-telangiectasia, complementation group E. Identifiers: Orphanet 100, MedGen C0004135, MONDO:0008840, OMIM 208900.

Submissions (3):

Labcorp Genetics (formerly Invitae), Labcorp
Classification: Likely benign for Ataxia-telangiectasia syndrome. Last evaluated: 2025-04-17. Review status: criteria provided, single submitter. Criteria: Invitae Variant Classification Sherloc (09022015). Collection method: clinical testing. Allele origin: germline.

Myriad Genetics, Inc.
Classification: Benign for Familial cancer of breast. Last evaluated: 2024-05-30. Review status: criteria provided, single submitter. Criteria: Myriad Autosomal Dominant, Autosomal Recessive and X-Linked Classification Criteria (2023). Collection method: clinical testing. Allele origin: unknown.
Comment: This variant is considered benign. This variant is a silent/synonymous amino acid change and it is not expected to impact splicing.

Ambry Genetics
Classification: Likely benign for Hereditary cancer-predisposing syndrome. Last evaluated: 2019-11-18. Review status: criteria provided, single submitter. Criteria: Ambry Variant Classification Scheme 2023. Collection method: clinical testing. Allele origin: germline.